The following is an entry in ClinVar:

ClinVar aggregate classification (germline): Pathogenic (1 of 4 stars; one submission).

Conditions:
BAP1-related tumor predisposition syndrome (TPDS1). Also called: COMMON Syndrome; Tumor susceptibility linked to germline BAP1 mutations; TUMOR PREDISPOSITION SYNDROME 1; BAP1 tumor predisposition syndrome. Identifiers: Orphanet 289539, MedGen C3280492, MONDO:0013692, OMIM 614327.

Submission:

Labcorp Genetics (formerly Invitae), Labcorp
Classification: Pathogenic for BAP1-related tumor predisposition syndrome. Last evaluated: 2016-11-10. Review status: criteria provided, single submitter. Criteria: Invitae Variant Classification Sherloc (09022015). Collection method: clinical testing. Allele origin: germline.
Comment: This sequence change deletes 1 nucleotide from exon 13 of the BAP1 mRNA (c.1416delG), causing a frameshift at codon 473. This creates a premature translational stop signal (p.Ser473Valfs*98) and is expected to result in an absent or disrupted protein product. While this particular variant has not been reported in the literature, loss-of-function variants in BAP1 are known to be pathogenic (PMID: 23684012, 21874000). For these reasons, this variant has been classified as Pathogenic.

Literature cited by the submitters: PubMed 23684012; PubMed 21874000.

NM_004656.4(BAP1):c.1416del (p.Ser473fs)

Gene: BAP1 (BRCA1 associated deubiquitinase 1; minus strand). Cytogenetic location: 3p21.1.
Variant type: Deletion.
Coding change: c.1416del on transcript NM_004656.4 (MANE Select); coding-DNA position 1416, one base deleted (G; older notation c.1416delG).
Protein change: p.Ser473fs; shifts the reading frame from serine 473.
Molecular consequence: frameshift variant.
Genome position (GRCh38, 1-based): chr3:52,403,729, C deleted on the plus strand (G on the coding strand, the reverse complement: BAP1 is on the minus strand); the first of 3 consecutive C bases (chr3:52,403,729-52,403,731); deleting any one gives the same sequence. VCF-style (leftmost placement, unchanged base first): chr3-52403728-TC-T. GRCh37 (hg19) VCF-style: chr3-52437744-TC-T.
Other names: short protein forms S473fs.
Identifiers: ClinVar variation 412409 (VCV000412409.5), dbSNP rs1060503731, ClinGen allele CA16611337.